The following is an entry in ClinVar:

NM_003742.4(ABCB11):c.1762G>C (p.Ala588Pro)

Gene: ABCB11 (ATP binding cassette subfamily B member 11; minus strand). Cytogenetic location: 2q31.1.
Variant type: single nucleotide variant.
Coding change: c.1762G>C on transcript NM_003742.4 (MANE Select); coding-DNA position 1762, G replaced by C.
Protein change: p.Ala588Pro; replaces alanine 588 with proline.
Molecular consequence: missense variant.
Genome position (GRCh38, 1-based): chr2:168,970,092, C>G on the plus strand (G>C on the coding strand, the complement: ABCB11 is on the minus strand). VCF-style: chr2-168970092-C-G. GRCh37 (hg19) VCF-style: chr2-169826602-C-G.
Other names: NM_003742.4:c.1762G>C; short protein forms A588P.
Identifiers: ClinVar variation 3776859 (VCV003776859.2).

ClinVar aggregate classification (germline): Conflicting classifications of pathogenicity. Review status: criteria provided, conflicting classifications (1 of 4 stars). 2 submissions from 2 submitters: Likely pathogenic (1); Uncertain significance (1). Last evaluated 2026-04-14.

Conditions:
Familial intrahepatic cholestasis. Identifiers: Orphanet 284385, MedGen CN296401, MONDO:0017290.
Progressive familial intrahepatic cholestasis type 2. Identifiers: Orphanet 79304, MedGen C3489789, MONDO:0011156, OMIM 601847.

gnomAD v4.1: 1 of 1,612,822 alleles (0.000062%); highest among the groups gnomAD compares: Non-Finnish European, 0.000085%; no homozygotes.

Submissions (2):

Genomenon, Inc
Classification: Uncertain significance for Familial intrahepatic cholestasis. Last evaluated: 2026-04-14. Review status: criteria provided, single submitter. Criteria: Genomenon Sequence Variant Interpretation Standards - Updated. Collection method: curation. Allele origin: germline. Affected: yes.
Comment: ABCB11 p.Ala588Pro (c.1762G>C) is a missense variant that changes the amino acid at residue 588 from Alanine to Proline. This variant has been observed in at least one proband with an ABCB11-related disorder (PMID:36046230;27050426). It has been observed in trans with a pathogenic or likely pathogenic variant (PMID:27050426). It is absent or not present at a significant frequency in gnomAD. In silico models predict that this variant is possibly or probably damaging. In conclusion, we classify ABCB11 p.Ala588Pro (c.1762G>C) as a variant of uncertain significance.

Broad Center for Mendelian Genomics, Broad Institute of MIT and Harvard
Classification: Likely pathogenic for Progressive familial intrahepatic cholestasis type 2. Last evaluated: 2025-01-27. Review status: criteria provided, single submitter. Criteria: ACMG Guidelines, 2015. Collection method: curation. Allele origin: germline. Inheritance: Autosomal recessive inheritance.
Comment: The p.Ala588Pro variant in ABCB11 has been reported, in the compound heterozygous state, in 1 individual with BSEP deficiency (PMID: 27050426; Variation ID: 956883), and has been identified in 0.00008% (1/1179258) of European (non-Finnish) chromosomes by the Genome Aggregation Database (gnomAD; dbSNP rs1693509331). Although this variant has been seen in the general population in a heterozygous state, its frequency is low enough to be consistent with a recessive carrier frequency. Computational prediction tools and conservation analyses suggest that this variant may impact the protein, though this information is not predictive enough to determine pathogenicity. One additional pathogenic variant, resulting in a different amino acid change at the same position, p.Ala588Val, has been reported in association with disease in ClinVar, supporting that this variant may be pathogenic (Variation ID: 594531). In summary, although additional studies are required to fully establish its clinical significance, this variant is likely pathogenic for autosomal recessive BSEP deficiency. ACMG/AMP Criteria applied: PP3_moderate, PM3, PM5, PM2_supporting (Richards 2015).

Literature cited by the submitters: PubMed 36046230 (cited by Genomenon, Inc); PubMed 27050426 (cited by Genomenon, Inc).